The following is an entry in ClinVar:

ClinVar aggregate classification (germline): Benign. Review status: criteria provided, multiple submitters, no conflicts (2 of 4 stars). 2 submissions from 2 submitters: Benign (2). Last evaluated 2018-01-12.

Conditions:
Holoprosencephaly 11 (HPE11). Identifiers: Orphanet 2162, MedGen C3280215, MONDO:0013642, OMIM 614226.

Allele frequency attached by ClinVar (database versions not stated): gnomAD 0.49995 and 0.50458; 1000 Genomes Project 0.51857; gnomAD exomes 0.50000; 1000 Genomes Project 30x 0.51124; TOPMed 0.49430.

Submissions (2):

Illumina Laboratory Services, Illumina
Classification: Benign for Holoprosencephaly 11. Last evaluated: 2018-01-12. Review status: criteria provided, single submitter. Criteria: ICSL Variant Classification Criteria 13 December 2019. Collection method: clinical testing. Allele origin: germline.
Comment: This variant was observed in the ICSL laboratory as part of a predisposition screen in an ostensibly healthy population. It had not been previously curated by ICSL or reported in the Human Gene Mutation Database (HGMD: prior to June 1st, 2018), and was therefore a candidate for classification through an automated scoring system. Utilizing variant allele frequency, disease prevalence and penetrance estimates, and inheritance mode, an automated score was calculated to assess if this variant is too frequent to cause the disease. Based on the score and internal cut-off values, a variant classified as benign is not then subjected to further curation. The score for this variant resulted in a classification of benign for this disease.

Breakthrough Genomics
Classification: Benign. Review status: criteria provided, single submitter. Criteria: ACMG Guidelines, 2015. Collection method: not provided. Allele origin: germline. Inheritance: Autosomal dominant inheritance. Affected: yes.

NM_001378964.1(CDON):c.*2740T>C

Gene: CDON (cell adhesion associated, oncogene regulated; minus strand). Cytogenetic location: 11q24.2.
Variant type: single nucleotide variant.
Coding change: c.*2740T>C on transcript NM_001378964.1 (MANE Select); 2740 bases downstream of the stop codon, T replaced by C.
Molecular consequence: 3 prime UTR variant.
Genome position (GRCh38, 1-based): chr11:125,958,202, A>G on the plus strand (T>C on the coding strand, the complement: CDON is on the minus strand). VCF-style: chr11-125958202-A-G. GRCh37 (hg19) VCF-style: chr11-125828097-A-G.
Other names: c.*2740T>C (NM_001243597.3, NM_016952.6).
Identifiers: ClinVar variation 303400 (VCV000303400.6), dbSNP rs2186754, ClinGen allele CA10630321.